The following is an entry in ClinVar:

NM_006445.4(PRPF8):c.1880G>A (p.Cys627Tyr)

Gene: PRPF8 (pre-mRNA processing factor 8; minus strand). Cytogenetic location: 17p13.3.
Variant type: single nucleotide variant.
Coding change: c.1880G>A on transcript NM_006445.4 (MANE Select); coding-DNA position 1880, G replaced by A.
Protein change: p.Cys627Tyr; replaces cysteine 627 with tyrosine.
Molecular consequence: missense variant.
Genome position (GRCh38, 1-based): chr17:1,677,669, C>T on the plus strand (G>A on the coding strand, the complement: PRPF8 is on the minus strand). VCF-style: chr17-1677669-C-T. GRCh37 (hg19) VCF-style: chr17-1580963-C-T.
Other names: short protein forms C627Y.
Identifiers: ClinVar variation 3252341 (VCV003252341.1), dbSNP rs2543771480.

ClinVar aggregate classification (germline): Uncertain significance (1 of 4 stars; one submission).

Submission:

GeneDx
Classification: Uncertain significance. Last evaluated: 2023-12-07. Review status: criteria provided, single submitter. Criteria: GeneDx Variant Classification Process June 2021. Collection method: clinical testing. Allele origin: germline. Affected: yes.
Comment: Has not been previously published as pathogenic or benign to our knowledge; In silico analysis supports that this missense variant has a deleterious effect on protein structure/function; Not observed at significant frequency in large population cohorts (gnomAD)